The following is an entry in ClinVar:

ClinVar aggregate classification (germline): Conflicting classifications of pathogenicity. Review status: criteria provided, conflicting classifications (1 of 4 stars). 3 submissions from 3 submitters: Uncertain significance (2); Likely benign (1). Last evaluated 2026-09-01.

Conditions:
FLNC-related disorder. Also called: FLNC-related condition; FLNC-related disorders.
Cardiovascular phenotype. Identifiers: MedGen CN230736.
Hypertrophic cardiomyopathy 26. Also called: Cardiomyopathy, familial hypertrophic, 26. Identifiers: Orphanet 75249, MedGen C4310749, MONDO:0014883, OMIM 617047.
Distal myopathy with posterior leg and anterior hand involvement. Also called: WILLIAMS DISTAL MYOPATHY. Identifiers: Orphanet 63273, MedGen C3279722, MONDO:0013550, OMIM 614065.
Myofibrillar myopathy 5. Also called: Filaminopathy (type); FILAMINOPATHY, AUTOSOMAL DOMINANT. Identifiers: Orphanet 171445, MedGen C1836050, MONDO:0012289, OMIM 609524.

Allele frequency attached by ClinVar (database versions not stated): ESP Exome Variant Server 0.00008.
gnomAD v4.1: 23 of 1,607,852 alleles (0.0014%); highest among the groups gnomAD compares: Non-Finnish European, 0.002%; no homozygotes.

Submissions (3):

PreventionGenetics, part of Exact Sciences
Classification: Uncertain significance for FLNC-related condition. Last evaluated: 2026-09-01. Review status: criteria provided, single submitter. Criteria: ACMG Guidelines, 2015. Collection method: clinical testing. Allele origin: germline.
Comment: The FLNC c.6702C>G variant is predicted to result in the amino acid substitution p.Phe2234Leu. To our knowledge, this variant has not been reported in the literature. This variant is reported in 0.0067% of alleles in individuals of African descent in gnomAD. At this time, the clinical significance of this variant is uncertain due to the absence of conclusive functional and genetic evidence.

Ambry Genetics
Classification: Uncertain significance for Cardiovascular phenotype. Last evaluated: 2025-10-27. Review status: criteria provided, single submitter. Criteria: Ambry Variant Classification Scheme 2023. Collection method: clinical testing. Allele origin: germline.
Comment: The p.F2234L variant (also known as c.6702C>G), located in coding exon 40 of the FLNC gene, results from a C to G substitution at nucleotide position 6702. The phenylalanine at codon 2234 is replaced by leucine, an amino acid with highly similar properties. This amino acid position is highly conserved in available vertebrate species. In addition, the in silico prediction for this alteration is inconclusive. Since supporting evidence is limited at this time, the clinical significance of this alteration remains unclear.

Labcorp Genetics (formerly Invitae), Labcorp
Classification: Likely benign for Distal myopathy with posterior leg and anterior hand involvement; Myofibrillar myopathy 5; Hypertrophic cardiomyopathy 26. Last evaluated: 2024-08-08. Review status: criteria provided, single submitter. Criteria: Invitae Variant Classification Sherloc (09022015). Collection method: clinical testing. Allele origin: germline.

NM_001458.5(FLNC):c.6702C>G (p.Phe2234Leu)

Genes: FLNC (filamin C; plus strand), FLNC-AS1 (FLNC antisense RNA 1; minus strand). Cytogenetic location: 7q32.1.
Variant type: single nucleotide variant.
Coding change: c.6702C>G on transcript NM_001458.5 (MANE Select); coding-DNA position 6702, C replaced by G.
Protein change: p.Phe2234Leu; replaces phenylalanine 2234 with leucine.
Molecular consequence: missense variant.
Genome position (GRCh38, 1-based): chr7:128,854,191, C>G. VCF-style: chr7-128854191-C-G. GRCh37 (hg19) VCF-style: chr7-128494245-C-G.
Other names: c.6603C>G, p.Phe2201Leu (NM_001127487.2); short protein forms F2234L, F2201L.
Identifiers: ClinVar variation 1446278 (VCV001446278.13), dbSNP rs370589662, ClinGen allele CA166191309.